The following is an entry in ClinVar:

ClinVar aggregate classification (germline): Uncertain significance (1 of 4 stars; one submission).

Conditions:
Holoprosencephaly 11 (HPE11). Identifiers: Orphanet 2162, MedGen C3280215, MONDO:0013642, OMIM 614226.

Allele frequency attached by ClinVar (database versions not stated): gnomAD exomes below 0.00001 and 0.00001; ExAC 0.00002.
gnomAD v4.1: 3 of 1,614,166 alleles (0.00019%); highest among the groups gnomAD compares: Admixed American, 0.005%; no homozygotes.

Submission:

Labcorp Genetics (formerly Invitae), Labcorp
Classification: Uncertain significance for Holoprosencephaly 11. Last evaluated: 2022-06-22. Review status: criteria provided, single submitter. Criteria: Invitae Variant Classification Sherloc (09022015). Collection method: clinical testing. Allele origin: germline.
Comment: This sequence change replaces proline, which is neutral and non-polar, with serine, which is neutral and polar, at codon 567 of the CDON protein (p.Pro567Ser). This variant is present in population databases (rs748787756, gnomAD 0.003%). This variant has not been reported in the literature in individuals affected with CDON-related conditions. Algorithms developed to predict the effect of missense changes on protein structure and function output the following: SIFT: "Tolerated"; PolyPhen-2: "Benign"; Align-GVGD: "Class C0". The serine amino acid residue is found in multiple mammalian species, which suggests that this missense change does not adversely affect protein function. In summary, the available evidence is currently insufficient to determine the role of this variant in disease. Therefore, it has been classified as a Variant of Uncertain Significance.

NM_001378964.1(CDON):c.1699C>T (p.Pro567Ser)

Gene: CDON (cell adhesion associated, oncogene regulated; minus strand). Cytogenetic location: 11q24.2.
Variant type: single nucleotide variant.
Coding change: c.1699C>T on transcript NM_001378964.1 (MANE Select); coding-DNA position 1699, C replaced by T.
Protein change: p.Pro567Ser; replaces proline 567 with serine.
Molecular consequence: missense variant.
Genome position (GRCh38, 1-based): chr11:126,005,911, G>A on the plus strand (C>T on the coding strand, the complement: CDON is on the minus strand). VCF-style: chr11-126005911-G-A. GRCh37 (hg19) VCF-style: chr11-125875806-G-A.
Other names: c.1699C>T, p.Pro567Ser (NM_001243597.3, NM_016952.6); short protein forms P567S.
Identifiers: ClinVar variation 1416576 (VCV001416576.8), dbSNP rs748787756, ClinGen allele CA6351969.